The following is an entry in ClinVar:

NM_000489.6(ATRX):c.6142G>T (p.Asp2048Tyr)

Gene: ATRX (ATRX chromatin remodeler; minus strand). Cytogenetic location: Xq21.1.
Variant type: single nucleotide variant.
Coding change: c.6142G>T on transcript NM_000489.6 (MANE Select); coding-DNA position 6142, G replaced by T.
Protein change: p.Asp2048Tyr; replaces aspartic acid 2048 with tyrosine.
Molecular consequence: missense variant.
Genome position (GRCh38, 1-based): chrX:77,589,909, C>A on the plus strand (G>T on the coding strand, the complement: ATRX is on the minus strand). VCF-style: chrX-77589909-C-A. GRCh37 (hg19) VCF-style: chrX-76845379-C-A.
Other names: c.6028G>T, p.Asp2010Tyr (NM_138270.5); short protein forms D2010Y, D2048Y.
Identifiers: ClinVar variation 2575805 (VCV002575805.1), dbSNP rs2148090181, ClinGen allele CA413702471.

ClinVar aggregate classification (germline): Uncertain significance (1 of 4 stars; one submission).

Submission:

GeneDx
Classification: Uncertain significance. Last evaluated: 2023-02-10. Review status: criteria provided, single submitter. Criteria: GeneDx Variant Classification Process June 2021. Collection method: clinical testing. Allele origin: germline. Affected: yes.
Comment: Not observed at significant frequency in large population cohorts (gnomAD); In silico analysis supports that this missense variant has a deleterious effect on protein structure/function; Has not been previously published as pathogenic or benign to our knowledge